The following is an entry in ClinVar:

NM_001277115.2(DNAH11):c.3223C>T (p.Gln1075Ter)

Genes: DNAH11 (dynein axonemal heavy chain 11; plus strand), LOC126859961 (BRD4-independent group 4 enhancer GRCh37_chr7:21639662-21640861; plus strand). Cytogenetic location: 7p15.3.
Variant type: single nucleotide variant.
Coding change: c.3223C>T on transcript NM_001277115.2 (MANE Select); coding-DNA position 3223, C replaced by T.
Protein change: p.Gln1075Ter; replaces glutamine 1075 with a stop codon.
Molecular consequence: nonsense.
Genome position (GRCh38, 1-based): chr7:21,600,898, C>T. VCF-style: chr7-21600898-C-T. GRCh37 (hg19) VCF-style: chr7-21640516-C-T.
Other names: short protein forms Q1075*.
Identifiers: ClinVar variation 1030335 (VCV001030335.4), dbSNP rs1785058598, ClinGen allele CA366945375.

ClinVar aggregate classification (germline): Pathogenic. Review status: criteria provided, multiple submitters, no conflicts (2 of 4 stars). 2 submissions from 2 submitters: Pathogenic (2). Last evaluated 2023-01-27.

Conditions:
Primary ciliary dyskinesia 7. Also called: CILIARY DYSKINESIA, PRIMARY, 7, WITH OR WITHOUT SITUS INVERSUS. Identifiers: Orphanet 244, MedGen C2678473, MONDO:0012748, OMIM 611884.
Primary ciliary dyskinesia. Also called: Ciliary dyskinesia. Identifiers: Orphanet 244, MedGen C0008780, MONDO:0016575, HP:0012265.

Submissions (2):

Labcorp Genetics (formerly Invitae), Labcorp
Classification: Pathogenic for Primary ciliary dyskinesia. Last evaluated: 2023-01-27. Review status: criteria provided, single submitter. Criteria: Invitae Variant Classification Sherloc (09022015). Collection method: clinical testing. Allele origin: germline.
Comment: This sequence change creates a premature translational stop signal (p.Gln1075*) in the DNAH11 gene. It is expected to result in an absent or disrupted protein product. Loss-of-function variants in DNAH11 are known to be pathogenic (PMID: 18022865, 20513915, 22184204). This variant is not present in population databases (gnomAD no frequency). This variant has not been reported in the literature in individuals affected with DNAH11-related conditions. ClinVar contains an entry for this variant (Variation ID: 1030335). For these reasons, this variant has been classified as Pathogenic.

Baylor Genetics
Classification: Pathogenic for Primary ciliary dyskinesia 7. Last evaluated: 2020-06-08. Review status: criteria provided, single submitter. Criteria: ACMG Guidelines, 2015. Collection method: clinical testing. Allele origin: unknown. Affected: yes.
Comment: This variant was determined to be pathogenic according to ACMG Guidelines, 2015 [PMID:25741868].

Literature cited by the submitters: PubMed 18022865 (cited by Labcorp Genetics (formerly Invitae), Labcorp); PubMed 20513915 (cited by Labcorp Genetics (formerly Invitae), Labcorp); PubMed 22184204 (cited by Labcorp Genetics (formerly Invitae), Labcorp).